The following is an entry in ClinVar:

ClinVar aggregate classification (germline): Likely benign. Review status: criteria provided, single submitter (1 of 4 stars). 2 submissions from 2 submitters: Likely benign (1). 1 of the submissions does not count toward it. Last evaluated 2023-05-15.

Conditions:
DGUOK-related disorder. Also called: DGUOK-related condition.

Submissions (2):

Labcorp Genetics (formerly Invitae), Labcorp
Classification: Likely benign. Last evaluated: 2023-05-15. Review status: criteria provided, single submitter. Criteria: Invitae Variant Classification Sherloc (09022015). Collection method: clinical testing. Allele origin: germline.

PreventionGenetics, part of Exact Sciences
Classification: Likely benign for DGUOK-related condition. Last evaluated: 2021-11-30. Review status: no assertion criteria provided. Collection method: clinical testing. Allele origin: germline. Not counted in ClinVar's aggregate classification.
Comment: This variant is classified as likely benign based on ACMG/AMP sequence variant interpretation guidelines (Richards et al. 2015 PMID: 25741868, with internal and published modifications).

NM_080916.3(DGUOK):c.723T>G (p.Ala241=)

Genes: DGUOK (deoxyguanosine kinase; plus strand), DGUOK-AS1 (DGUOK antisense RNA 1; minus strand). Cytogenetic location: 2p13.1.
Variant type: single nucleotide variant.
Coding change: c.723T>G on transcript NM_080916.3 (MANE Select); coding-DNA position 723, T replaced by G.
Protein change: p.Ala241=; no amino-acid change (alanine 241 retained).
Molecular consequence: synonymous variant. On other transcripts: non-coding transcript variant (8).
Genome position (GRCh38, 1-based): chr2:73,958,161, T>G. VCF-style: chr2-73958161-T-G. GRCh37 (hg19) VCF-style: chr2-74185288-T-G.
Other names: c.723T>G (NM_080916.2); c.441T>G, p.Ala147= (NM_001318859.2); c.432T>G, p.Ala144= (NM_001318860.2, NM_001318861.2); c.414T>G, p.Ala138= (NM_001318862.2, NM_001318863.2); c.459T>G, p.Ala153= (NM_080918.3).
Identifiers: ClinVar variation 2864470 (VCV002864470.5), dbSNP rs768045710, ClinGen allele CA426797646.